The following is an entry in ClinVar:

NC_000004.11:g.(?_108911089)_(108911240_?)del

Gene: HADH (hydroxyacyl-CoA dehydrogenase; plus strand). Cytogenetic location: 4q25.
Variant type: Deletion.
Identifiers: ClinVar variation 3246656 (VCV003246656.1).

ClinVar aggregate classification (germline): Pathogenic (1 of 4 stars; one submission).

Conditions:
Deficiency of 3-hydroxyacyl-CoA dehydrogenase. Also called: HADH DEFICIENCY; 3-hydroxyacyl-CoA dehydrogenase deficiency. Identifiers: Orphanet 309127, Orphanet 71212, MedGen C1291230, MONDO:0017715, OMIM 231530.

Submission:

Labcorp Genetics (formerly Invitae), Labcorp
Classification: Pathogenic for Deficiency of 3-hydroxyacyl-CoA dehydrogenase. Last evaluated: 2023-09-08. Review status: criteria provided, single submitter. Criteria: Invitae Variant Classification Sherloc (09022015). Collection method: clinical testing. Allele origin: unknown.
Comment: This variant is a gross deletion of the genomic region encompassing exon(s) 1 of the HADH gene, which includes the initiator codon. This deletion extends beyond the assayed region for this gene and therefore may encompass additional genes. It is expected to result in an absent or disrupted protein product. Loss-of-function variants in HADH are known to be pathogenic (PMID: 8825408). For these reasons, this variant has been classified as Pathogenic. A similar copy number variant has been observed in individual(s) with hyperinsulinemic hypoglycemia (PMID: 21252247).

Literature cited by the submitters: PubMed 8825408; PubMed 21252247.